The following is an entry in ClinVar:

ClinVar aggregate classification (germline): Likely benign. Review status: criteria provided, multiple submitters, no conflicts (2 of 4 stars). 6 submissions from 6 submitters: Likely benign (6). Last evaluated 2026-03-27.

Conditions:
TTN-related disorder. Also called: TTN-related disorders; TTN-related condition; TTN-related disease.
Cardiovascular phenotype. Identifiers: MedGen CN230736.
Dilated cardiomyopathy 1G (CMD1G). Identifiers: Orphanet 154, MedGen C1858763, MONDO:0011400, OMIM 604145.
Autosomal recessive limb-girdle muscular dystrophy type 2J (LGMDR10). Also called: Limb-girdle muscular dystrophy, type 2J; MUSCULAR DYSTROPHY, LIMB-GIRDLE, AUTOSOMAL RECESSIVE 10. Identifiers: Orphanet 140922, MedGen C1837342, MONDO:0012127, OMIM 608807.

Allele frequency attached by ClinVar (database versions not stated): gnomAD exomes 0.00002 and 0.00004; ExAC 0.00004; gnomAD 0.00009; TOPMed 0.00011.
gnomAD v4.1: 46 of 1,613,168 alleles (0.0029%); highest among the groups gnomAD compares: African/African-American, 0.029%; 2 homozygotes.

Submissions (6):

Molecular Diagnostic Laboratory for Inherited Cardiovascular Disease, Montreal Heart Institute
Classification: Likely benign. Last evaluated: 2026-03-27. Review status: criteria provided, single submitter. Criteria: ACMG Guidelines, 2015. Collection method: clinical testing. Allele origin: germline. Affected: no.
Comment: BP7

Labcorp Genetics (formerly Invitae), Labcorp
Classification: Likely benign for Dilated cardiomyopathy 1G; Autosomal recessive limb-girdle muscular dystrophy type 2J. Last evaluated: 2026-01-16. Review status: criteria provided, single submitter. Criteria: Invitae Variant Classification Sherloc (09022015). Collection method: clinical testing. Allele origin: germline.

PreventionGenetics, part of Exact Sciences
Classification: Likely benign for TTN-related condition. Last evaluated: 2025-09-12. Review status: criteria provided, single submitter. Criteria: ACMG Guidelines, 2015. Collection method: clinical testing. Allele origin: germline.
Comment: This variant is classified as likely benign based on ACMG/AMP sequence variant interpretation guidelines (Richards et al. 2015 PMID: 25741868, with internal and published modifications).

Ambry Genetics
Classification: Likely benign for Cardiovascular phenotype. Last evaluated: 2021-03-27. Review status: criteria provided, single submitter. Criteria: Ambry Variant Classification Scheme 2023. Collection method: clinical testing. Allele origin: germline.

GeneDx
Classification: Likely benign. Last evaluated: 2019-11-14. Review status: criteria provided, single submitter. Criteria: GeneDx Variant Classification Process June 2021. Collection method: clinical testing. Allele origin: germline. Affected: yes.

Laboratory for Molecular Medicine, Mass General Brigham Personalized Medicine
Classification: Likely benign. Last evaluated: 2015-10-22. Review status: criteria provided, single submitter. Criteria: LMM Criteria. Collection method: clinical testing. Allele origin: germline. Observed: 1 variant allele.
Comment: p.Glu18767Glu in exon 256 of TTN: This variant is not expected to have clinical significance because it does not alter an amino acid residue and is not located within the splice consensus sequence. It has been identified in 2/11538 Latino c hromosomes and 1/9802 African chromosomes by the Exome Aggregation Consortium (E xAC).

NM_001267550.2(TTN):c.64005G>A (p.Glu21335=)

Genes: TTN (titin; minus strand), TTN-AS1 (TTN antisense RNA 1; plus strand). Cytogenetic location: 2q31.2.
Variant type: single nucleotide variant.
Coding change: c.64005G>A on transcript NM_001267550.2 (MANE Select); coding-DNA position 64005, G replaced by A.
Protein change: p.Glu21335=; no amino-acid change (glutamic acid 21335 retained).
Molecular consequence: synonymous variant.
Genome position (GRCh38, 1-based): chr2:178,587,206, C>T on the plus strand (G>A on the coding strand, the complement: TTN is on the minus strand). VCF-style: chr2-178587206-C-T. GRCh37 (hg19) VCF-style: chr2-179451933-C-T.
Other names: c.56301G>A, p.Glu18767= (NM_133378.4); c.59082G>A, p.Glu19694= (NM_001256850.1); c.36810G>A, p.Glu12270= (NM_003319.4); c.37185G>A, p.Glu12395= (NM_133432.3); c.37386G>A, p.Glu12462= (NM_133437.4).
Identifiers: ClinVar variation 228122 (VCV000228122.21), dbSNP rs749889687, ClinGen allele CA1991983.